The following is an entry in ClinVar:

NM_000059.4(BRCA2):c.6938-3T>A

Gene: BRCA2 (BRCA2 DNA repair associated; plus strand). Cytogenetic location: 13q13.1.
Variant type: single nucleotide variant.
Coding change: c.6938-3T>A on transcript NM_000059.4 (MANE Select); 3 bases into the intron before coding-DNA position 6938, T replaced by A.
Molecular consequence: intron variant.
Genome position (GRCh38, 1-based): chr13:32,346,824, T>A. VCF-style: chr13-32346824-T-A. GRCh37 (hg19) VCF-style: chr13-32920961-T-A.
Identifiers: ClinVar variation 1171594 (VCV001171594.2), dbSNP rs1400188645, ClinGen allele CA609087122.

ClinVar aggregate classification (germline): Uncertain significance (1 of 4 stars; one submission).

Conditions:
Hereditary cancer-predisposing syndrome. Also called: Tumor predisposition; Hereditary neoplastic syndrome; Hereditary Cancer Syndrome; Neoplastic Syndromes, Hereditary. Identifiers: Orphanet 140162, MedGen C0027672, MeSH D009386, MONDO:0015356.

gnomAD v4.1: 2 of 1,603,126 alleles (0.00012%); highest among the groups gnomAD compares: South Asian, 0.0022%; no homozygotes.

Submission:

Color Diagnostics, LLC DBA Color Health
Classification: Uncertain significance for Hereditary cancer-predisposing syndrome. Last evaluated: 2020-11-13. Review status: criteria provided, single submitter. Criteria: ACMG Guidelines, 2015. Collection method: clinical testing. Allele origin: germline.
Comment: This variant causes a T to A nucleotide substitution at the -3 position of intron 12 of the BRCA2 gene. To our knowledge, functional studies have not been reported for this variant. This variant has not been reported in individuals affected with hereditary cancer in the literature. This variant has been identified in 1/249074 chromosomes in the general population by the Genome Aggregation Database (gnomAD). The available evidence is insufficient to determine the role of this variant in disease conclusively. Therefore, this variant is classified as a Variant of Uncertain Significance.